The following is an entry in ClinVar:

ClinVar aggregate classification (germline): Uncertain significance (1 of 4 stars; one submission).

Conditions:
Nephronophthisis. Also called: Juvenile Nephronophthisis. Identifiers: Orphanet 655, MedGen C0687120, MONDO:0019005, HP:0000090.

Submission:

Labcorp Genetics (formerly Invitae), Labcorp
Classification: Uncertain significance for Nephronophthisis. Last evaluated: 2019-10-13. Review status: criteria provided, single submitter. Criteria: Invitae Variant Classification Sherloc (09022015). Collection method: clinical testing. Allele origin: germline.
Comment: In summary, the available evidence is currently insufficient to determine the role of this variant in disease. Therefore, it has been classified as a Variant of Uncertain Significance. Algorithms developed to predict the effect of missense changes on protein structure and function are either unavailable or do not agree on the potential impact of this missense change (SIFT: "Deleterious"; PolyPhen-2: "Probably Damaging"; Align-GVGD: "Class C0"). This variant has not been reported in the literature in individuals with NPHP4-related conditions. This variant is not present in population databases (ExAC no frequency). This sequence change replaces phenylalanine with cysteine at codon 650 of the NPHP4 protein (p.Phe650Cys). The phenylalanine residue is highly conserved and there is a large physicochemical difference between phenylalanine and cysteine.

NM_015102.5(NPHP4):c.1949T>G (p.Phe650Cys)

Gene: NPHP4 (nephrocystin 4; minus strand). Cytogenetic location: 1p36.31.
Variant type: single nucleotide variant.
Coding change: c.1949T>G on transcript NM_015102.5 (MANE Select); coding-DNA position 1949, T replaced by G.
Protein change: p.Phe650Cys; replaces phenylalanine 650 with cysteine.
Molecular consequence: missense variant. On other transcripts: non-coding transcript variant (1).
Genome position (GRCh38, 1-based): chr1:5,905,298, A>C on the plus strand (T>G on the coding strand, the complement: NPHP4 is on the minus strand). VCF-style: chr1-5905298-A-C. GRCh37 (hg19) VCF-style: chr1-5965358-A-C.
Other names: c.410T>G, p.Phe137Cys (NM_001291593.2); c.413T>G, p.Phe138Cys (NM_001291594.2); short protein forms F138C, F650C, F137C.
Identifiers: ClinVar variation 954508 (VCV000954508.9), dbSNP rs1644859413, ClinGen allele CA338054167.